The following is an entry in ClinVar:

NM_144997.7(FLCN):c.239A>G (p.Asp80Gly)

Gene: FLCN (folliculin; minus strand). Cytogenetic location: 17p11.2.
Variant type: single nucleotide variant.
Coding change: c.239A>G on transcript NM_144997.7 (MANE Select); coding-DNA position 239, A replaced by G.
Protein change: p.Asp80Gly; replaces aspartic acid 80 with glycine.
Molecular consequence: missense variant.
Genome position (GRCh38, 1-based): chr17:17,227,899, T>C on the plus strand (A>G on the coding strand, the complement: FLCN is on the minus strand). VCF-style: chr17-17227899-T-C. GRCh37 (hg19) VCF-style: chr17-17131213-T-C.
Other names: c.239A>G, p.Asp80Gly (NM_001353229.2, NM_001353230.2, NM_001353231.2 and 1 more transcripts); short protein forms D80G.
Identifiers: ClinVar variation 2841462 (VCV002841462.3), dbSNP rs1597617167, ClinGen allele CA398535034.

ClinVar aggregate classification (germline): Uncertain significance (1 of 4 stars; one submission).

Conditions:
Birt-Hogg-Dube syndrome. Also called: Birt Hogg Dubé syndrome. Identifiers: Orphanet 122, MedGen C0346010, MONDO:0800444.

Allele frequency attached by ClinVar (database versions not stated): gnomAD exomes below 0.00001.
gnomAD v4.1: 1 of 1,614,124 alleles (0.000062%); highest among the groups gnomAD compares: Admixed American, 0.0017%; no homozygotes.

Submission:

Labcorp Genetics (formerly Invitae), Labcorp
Classification: Uncertain significance for Birt-Hogg-Dube syndrome. Last evaluated: 2024-09-04. Review status: criteria provided, single submitter. Criteria: Invitae Variant Classification Sherloc (09022015). Collection method: clinical testing. Allele origin: germline.
Comment: This sequence change replaces aspartic acid, which is acidic and polar, with glycine, which is neutral and non-polar, at codon 80 of the FLCN protein (p.Asp80Gly). This variant is not present in population databases (gnomAD no frequency). This variant has not been reported in the literature in individuals affected with FLCN-related conditions. Invitae Evidence Modeling of protein sequence and biophysical properties (such as structural, functional, and spatial information, amino acid conservation, physicochemical variation, residue mobility, and thermodynamic stability) indicates that this missense variant is not expected to disrupt FLCN protein function with a negative predictive value of 80%. In summary, the available evidence is currently insufficient to determine the role of this variant in disease. Therefore, it has been classified as a Variant of Uncertain Significance.